The following is an entry in ClinVar:

ClinVar aggregate classification (germline): Benign/Likely benign. Review status: criteria provided, multiple submitters, no conflicts (2 of 4 stars). 6 submissions from 6 submitters: Benign (1); Likely benign (4). 1 of the submissions does not count toward it. Last evaluated 2026-01-23.

Conditions:
Pseudohypoaldosteronism type 2C (PHA2C). Also called: Pseudohypoaldosteronism Type IIC. Identifiers: Orphanet 757, Orphanet 88940, MedGen C1840391, MONDO:0013778, OMIM 614492.
Neuropathy, hereditary sensory and autonomic, type 2A (HSAN2A). Also called: ACROOSTEOLYSIS, GIACCAI TYPE; ACROOSTEOLYSIS, NEUROGENIC; HSAN IIA; WNK1-Related HSAN2 (HSAN2A); MORVAN DISEASE; NEUROPATHY, CONGENITAL SENSORY. Identifiers: Orphanet 970, MedGen C2752089, MONDO:0024309, OMIM 201300.
WNK1-related disorder. Also called: WNK1-related condition.

Allele frequency attached by ClinVar (database versions not stated): ExAC 0.00033; gnomAD 0.00015 and 0.00016; gnomAD exomes 0.00015 and 0.00029; TOPMed 0.00019; ESP Exome Variant Server 0.00025.
gnomAD v4.1: 252 of 1,603,866 alleles (0.016%); highest among the groups gnomAD compares: Middle Eastern, 0.016%; 1 homozygote.

Submissions (6):

Labcorp Genetics (formerly Invitae), Labcorp
Classification: Benign for Neuropathy, hereditary sensory and autonomic, type 2A; Pseudohypoaldosteronism type 2C. Last evaluated: 2026-01-23. Review status: criteria provided, single submitter. Criteria: Invitae Variant Classification Sherloc (09022015). Collection method: clinical testing. Allele origin: germline.

Mayo Clinic Laboratories, Mayo Clinic
Classification: Likely benign. Last evaluated: 2025-04-16. Review status: criteria provided, single submitter. Criteria: ACMG Guidelines, 2015. Collection method: clinical testing. Allele origin: germline. Observed: 2 variant alleles.
Comment: BS1, BP4, BP7

ARUP Laboratories, Molecular Genetics and Genomics, ARUP Laboratories
Classification: Likely benign. Last evaluated: 2024-12-31. Review status: criteria provided, single submitter. Criteria: ARUP Molecular Germline Variant Investigation Process 2024. Collection method: clinical testing. Allele origin: germline.

Fulgent Genetics
Classification: Likely benign for Neuropathy, hereditary sensory and autonomic, type 2A; Pseudohypoaldosteronism type 2C. Last evaluated: 2021-08-24. Review status: criteria provided, single submitter. Criteria: ACMG Guidelines, 2015. Collection method: clinical testing. Allele origin: unknown.

GeneDx
Classification: Likely benign. Last evaluated: 2021-06-15. Review status: criteria provided, single submitter. Criteria: GeneDx Variant Classification Process June 2021. Collection method: clinical testing. Allele origin: germline. Affected: yes.

PreventionGenetics, part of Exact Sciences
Classification: Likely benign for WNK1-related condition. Last evaluated: 2019-07-10. Review status: no assertion criteria provided. Collection method: clinical testing. Allele origin: germline. Not counted in ClinVar's aggregate classification.
Comment: This variant is classified as likely benign based on ACMG/AMP sequence variant interpretation guidelines (Richards et al. 2015 PMID: 25741868, with internal and published modifications).

NM_213655.5(WNK1):c.2772A>G (p.Glu924=)

Gene: WNK1 (WNK lysine deficient protein kinase 1; plus strand). Cytogenetic location: 12p13.33.
Variant type: single nucleotide variant.
Coding change: c.2772A>G on transcript NM_213655.5 (MANE Plus Clinical); coding-DNA position 2772, A replaced by G.
Protein change: p.Glu924=; no amino-acid change (glutamic acid 924 retained).
Molecular consequence: synonymous variant. On other transcripts: intron variant (2).
Genome position (GRCh38, 1-based): chr12:868,243, A>G. VCF-style: chr12-868243-A-G. GRCh37 (hg19) VCF-style: chr12-977409-A-G.
Other names: p.Glu924=; c.2517A>G (NM_001184985.1); c.2517A>G, p.Glu839= (NM_001184985.2); c.2140-3022A>G (NM_018979.4, NM_014823.3).
Identifiers: ClinVar variation 1166145 (VCV001166145.15), dbSNP rs371538921, ClinGen allele CA6382235.